The following is an entry in ClinVar:

NM_001134363.3(RBM20):c.1969_1970delinsAT (p.Ser657Ile)

Gene: RBM20 (RNA binding motif protein 20; plus strand). Cytogenetic location: 10q25.2.
Variant type: Indel.
Coding change: c.1969_1970delinsAT on transcript NM_001134363.3 (MANE Select); coding-DNA positions 1969 to 1970, TC replaced by AT.
Protein change: p.Ser657Ile; replaces serine 657 with isoleucine.
Molecular consequence: missense variant.
Genome position (GRCh38, 1-based): chr10:110,812,366-110,812,367, TC replaced by AT. VCF-style: chr10-110812366-TC-AT. GRCh37 (hg19) VCF-style: chr10-112572124-TC-AT.
Other names: short protein forms S657I.
Identifiers: ClinVar variation 1806153 (VCV001806153.1), dbSNP rs1554842673, ClinGen allele CA1139770359.

ClinVar aggregate classification (germline): Uncertain significance (1 of 4 stars; one submission).

Conditions:
Dilated cardiomyopathy 1DD (CMD1DD). Identifiers: Orphanet 154, MedGen C2750995, MONDO:0013168, OMIM 613172.

Submission:

Victorian Clinical Genetics Services, Murdoch Childrens Research Institute
Classification: Uncertain significance for Dilated cardiomyopathy 1DD. Last evaluated: 2020-10-19. Review status: criteria provided, single submitter. Criteria: ACMG Guidelines, 2015. Collection method: clinical testing. Allele origin: germline. Inheritance: Autosomal dominant inheritance.
Comment: Based on the classification scheme VCGS_Germline_v1.3.4, this variant is classified as 3B-VUS. Following criteria are met: 0102 - Loss of function is a known mechanism of disease in this gene and is associated with dilated cardiomyopathy 1DD (MIM#613172). In addition, dominant negative is a suggested mechanism for variants in the hotspot affecting residues between 630 and 640 (PMIDs: 32187365, 29895960). (I) 0107 - This gene is associated with autosomal dominant disease. (I) 0200 - Variant is predicted to result in a missense amino acid change from serine to isoleucine. (I) 0251 - This variant is heterozygous. (I) 0301 - Variant is absent from gnomAD (both v2 and v3). (SP) 0309 - Multiple alternative amino acid changes at the same position have been observed in gnomAD v3 (highest allele count: 6 heterozygotes, 0 homozygotes). (I) 0501 - Missense variant consistently predicted to be damaging by multiple in silico tools or highly conserved with a major amino acid change. (SP) 0600 - Variant is located in the annotated RS domain (PMIDs: 32187365, 29895960). (I) 0708 - Other missense variants comparable to the one identified in this case have conflicting previous evidence for pathogenicity. Alternative changes affecting the same residue, p.(Ser657Thr), p.(Ser657Cys) and c.1969_1970delinsAG (p.Ser657=), have been reported as benign, likely benign and VUS (ClinVar, LOVD). (I) 0807 - This variant has no previous evidence of pathogenicity. (I) 0905 - No published segregation evidence has been identified for this variant. (I) 1007 - No published functional evidence has been identified for this variant. (I) 1208 - Inheritance information for this variant is not currently available in this individual. (I) Legend: (SP) - Supporting pathogenic, (I) - Information, (SB) - Supporting benign

Literature cited by the submitters: PubMed 29895960; PubMed 32187365.